The following is an entry in ClinVar:

ClinVar aggregate classification (germline): Likely benign (1 of 4 stars; one submission).

Conditions:
EMILIN1-related disorder. Also called: EMILIN1-related condition.

gnomAD v4.1: 128 of 1,612,688 alleles (0.0079%); highest among the groups gnomAD compares: African/African-American, 0.15%; no homozygotes.

Submission:

PreventionGenetics, part of Exact Sciences
Classification: Likely benign for EMILIN1-related condition. Last evaluated: 2026-07-15. Review status: criteria provided, single submitter. Criteria: ACMG Guidelines, 2015. Collection method: clinical testing. Allele origin: germline.
Comment: This variant is classified as likely benign based on ACMG/AMP sequence variant interpretation guidelines (Richards et al. 2015 PMID: 25741868, with internal and published modifications).

NM_007046.4(EMILIN1):c.772C>T (p.Leu258=)

Gene: EMILIN1 (elastin microfibril interfacer 1; plus strand). Cytogenetic location: 2p23.3.
Variant type: single nucleotide variant.
Coding change: c.772C>T on transcript NM_007046.4 (MANE Select); coding-DNA position 772, C replaced by T.
Protein change: p.Leu258=; no amino-acid change (leucine 258 retained).
Molecular consequence: synonymous variant.
Genome position (GRCh38, 1-based): chr2:27,082,343, C>T. VCF-style: chr2-27082343-C-T. GRCh37 (hg19) VCF-style: chr2-27305211-C-T.
Identifiers: ClinVar variation 4979163 (VCV004979163.1).